The following is an entry in ClinVar:

NM_004006.3(DMD):c.10697G>A (p.Arg3566His)

Gene: DMD (dystrophin; minus strand). Cytogenetic location: Xp21.2.
Variant type: single nucleotide variant.
Coding change: c.10697G>A on transcript NM_004006.3 (MANE Select); coding-DNA position 10697, G replaced by A.
Protein change: p.Arg3566His; replaces arginine 3566 with histidine.
Molecular consequence: missense variant.
Genome position (GRCh38, 1-based): chrX:31,147,375, C>T on the plus strand (G>A on the coding strand, the complement: DMD is on the minus strand). VCF-style: chrX-31147375-C-T. GRCh37 (hg19) VCF-style: chrX-31165492-C-T.
Other names: c.10673G>A, p.Arg3558His (NM_000109.4); c.10685G>A, p.Arg3562His (NM_004009.3); c.10328G>A, p.Arg3443His (NM_004010.3); c.6674G>A, p.Arg2225His (NM_004011.4); c.6665G>A, p.Arg2222His (NM_004012.4); c.3317G>A, p.Arg1106His (NM_004013.3, NM_004021.3); c.2510G>A, p.Arg837His (NM_004014.3); c.1493G>A, p.Arg498His (NM_004015.3, NM_004016.3); and 4 more; short protein forms R2222H, R3562H, R2225H, R3566H, R485H, R1106H, R3443H, R498H.
Identifiers: ClinVar variation 1519164 (VCV001519164.6), dbSNP rs2147934267, ClinGen allele CA412649210.
Genomic context (GRCh38, chrX:31,147,375, plus strand): 5'-AGCTGTTTATTGTGGTCTTCCAGGATTTGCATCCTGGCTTCCAGGCGGCCTTTGTGTTGA[C>T]GCAGTAGCTTGGCCTCAGCAATGAGCTCAGCATCCCGGGGACTCTGGGGAGAGGTGGGCA-3'
Protein context (NP_003997.2, residues 3556-3576): AELIAEAKLL[Arg3566His]QHKGRLEARM

ClinVar aggregate classification (germline): Uncertain significance. Review status: criteria provided, multiple submitters, no conflicts (2 of 4 stars). 2 submissions from 2 submitters: Uncertain significance (2). Last evaluated 2023-11-06.

Conditions:
Duchenne muscular dystrophy (DMD). Also called: MUSCULAR DYSTROPHY, PSEUDOHYPERTROPHIC PROGRESSIVE, DUCHENNE TYPE; Duchenne Muscular Dystrophy (DMD). Identifiers: Orphanet 98896, MedGen C0013264, MONDO:0010679, OMIM 310200.

gnomAD v4.1: 6 of 1,209,943 alleles (0.0005%); highest among the groups gnomAD compares: Non-Finnish European, 0.00056%; no homozygotes.

Submissions (2):

GeneDx
Classification: Uncertain significance. Last evaluated: 2023-11-06. Review status: criteria provided, single submitter. Criteria: GeneDx Variant Classification Process June 2021. Collection method: clinical testing. Allele origin: germline. Affected: yes.
Comment: Has not been previously published as pathogenic or benign to our knowledge; Not observed at significant frequency in large population cohorts (gnomAD); In silico analysis supports that this missense variant has a deleterious effect on protein structure/function

Labcorp Genetics (formerly Invitae), Labcorp
Classification: Uncertain significance for Duchenne muscular dystrophy. Last evaluated: 2021-09-17. Review status: criteria provided, single submitter. Criteria: Invitae Variant Classification Sherloc (09022015). Collection method: clinical testing. Allele origin: germline.
Comment: This sequence change replaces arginine with histidine at codon 3566 of the DMD protein (p.Arg3566His). The arginine residue is highly conserved and there is a small physicochemical difference between arginine and histidine. This variant is not present in population databases (ExAC no frequency). This variant has not been reported in the literature in individuals affected with DMD-related conditions. Algorithms developed to predict the effect of missense changes on protein structure and function (SIFT, PolyPhen-2, Align-GVGD) all suggest that this variant is likely to be disruptive. In summary, the available evidence is currently insufficient to determine the role of this variant in disease. Therefore, it has been classified as a Variant of Uncertain Significance.